The following is an entry in ClinVar:

NM_000138.5(FBN1):c.7582T>G (p.Cys2528Gly)

Gene: FBN1 (fibrillin 1; minus strand). Cytogenetic location: 15q21.1.
Variant type: single nucleotide variant.
Coding change: c.7582T>G on transcript NM_000138.5 (MANE Select); coding-DNA position 7582, T replaced by G.
Protein change: p.Cys2528Gly; replaces cysteine 2528 with glycine.
Molecular consequence: missense variant.
Genome position (GRCh38, 1-based): chr15:48,421,675, A>C on the plus strand (T>G on the coding strand, the complement: FBN1 is on the minus strand). VCF-style: chr15-48421675-A-C. GRCh37 (hg19) VCF-style: chr15-48713872-A-C.
Other names: c.7582T>G, p.Cys2528Gly (NM_001406716.1); short protein forms C2528G.
Identifiers: ClinVar variation 2941263 (VCV002941263.3), dbSNP rs1566891701, ClinGen allele CA392325785.
Genomic context (GRCh38, chr15:48,421,675, plus strand): 5'-AGCTTCCAGGAGTGTTCTGGCAAATGCCCTTAGACCCGCACAGATTGATGTCAGAGGTGC[A>C]TTCATTGTTATCTATGAGAAGCAGTGGGGGCAAAGAGGGGTTAAAATTCCCCAAAGCTCT-3'
Protein context (NP_000129.3, residues 2518-2538): HHTSCIDNNE[Cys2528Gly]TSDINLCGSK

ClinVar aggregate classification (germline): Pathogenic (1 of 4 stars; one submission).

Conditions:
Marfan syndrome (MFS). Also called: MARFAN SYNDROME, TYPE I; Marfan syndrome type 1; Marfan's syndrome; Marfan syndrome, classic; FBN1-Related Marfan Syndrome. Identifiers: Orphanet 284963, Orphanet 558, MedGen C0024796, MONDO:0007947, OMIM 154700.
Familial thoracic aortic aneurysm and aortic dissection (TAAD). Also called: Thoracic aortic aneurysms and dissections. Identifiers: Orphanet 91387, MedGen C4707243, MONDO:0019625.

Submission:

Labcorp Genetics (formerly Invitae), Labcorp
Classification: Pathogenic for Marfan syndrome; Familial thoracic aortic aneurysm and aortic dissection. Last evaluated: 2022-11-03. Review status: criteria provided, single submitter. Criteria: Invitae Variant Classification Sherloc (09022015). Collection method: clinical testing. Allele origin: germline.
Comment: This variant disrupts the p.Cys2528 amino acid residue in FBN1. Other variant(s) that disrupt this residue have been observed in individuals with FBN1-related conditions (PMID: 19293843, 27906200, 28973303), which suggests that this may be a clinically significant amino acid residue. For these reasons, this variant has been classified as Pathogenic. This variant affects a cysteine residue in the EGF-like, TGFBP or hybrid motif domains of FBN1. Cysteine residues are believed to be involved in intramolecular disulfide bridges and have been shown to be important for FBN1 protein structure (PMID: 16905551, 19349279). In addition, missense substitutions affecting cysteine residues within these domains are significantly overrepresented among patients with Marfan syndrome (PMID: 16571647, 17701892). Advanced modeling of protein sequence and biophysical properties (such as structural, functional, and spatial information, amino acid conservation, physicochemical variation, residue mobility, and thermodynamic stability) performed at Invitae indicates that this missense variant is expected to disrupt FBN1 protein function. This variant has not been reported in the literature in individuals affected with FBN1-related conditions. This variant is not present in population databases (gnomAD no frequency). This sequence change replaces cysteine, which is neutral and slightly polar, with glycine, which is neutral and non-polar, at codon 2528 of the FBN1 protein (p.Cys2528Gly).

Literature cited by the submitters: PubMed 19293843; PubMed 27906200; PubMed 28973303; PubMed 16905551; PubMed 19349279; PubMed 16571647; PubMed 17701892.